The following is an entry in ClinVar:

ClinVar aggregate classification (germline): Conflicting classifications of pathogenicity. Review status: criteria provided, conflicting classifications (1 of 4 stars). 3 submissions from 3 submitters: Likely pathogenic (1); Uncertain significance (2). Last evaluated 2026-01-15.

Conditions:
Dilated cardiomyopathy 1CC (CMD1CC). Identifiers: Orphanet 154, MedGen C2751084, MONDO:0013147, OMIM 613122.
Hypertrophic cardiomyopathy 20. Identifiers: MedGen C3151267, MONDO:0013477, OMIM 613876.
Cardiovascular phenotype. Identifiers: MedGen CN230736.

Allele frequency attached by ClinVar (database versions not stated): gnomAD exomes below 0.00001; TOPMed below 0.00001; ExAC 0.00001; gnomAD 0.00001.
gnomAD v4.1: 4 of 1,613,632 alleles (0.00025%); highest among the groups gnomAD compares: Non-Finnish European, 0.00034%; no homozygotes.

Submissions (3):

Labcorp Genetics (formerly Invitae), Labcorp
Classification: Likely pathogenic for Dilated cardiomyopathy 1CC; Hypertrophic cardiomyopathy 20. Last evaluated: 2026-01-15. Review status: criteria provided, single submitter. Criteria: Invitae Variant Classification Sherloc (09022015). Collection method: clinical testing. Allele origin: germline.
Comment: This sequence change affects an acceptor splice site in intron 7 of the NEXN gene. It is expected to disrupt RNA splicing. Variants that disrupt the donor or acceptor splice site typically lead to a loss of protein function (PMID: 16199547), and loss-of-function variants in NEXN are known to be pathogenic (PMID: 19881492, 32058062, 32814711, 32870709, 33949776, 38059363, 40680702). This variant is present in population databases (rs761030548, gnomAD 0.0009%). This variant has not been reported in the literature in individuals affected with NEXN-related conditions. ClinVar contains an entry for this variant (Variation ID: 1403122). Algorithms developed to predict the effect of sequence changes on RNA splicing suggest that this variant may disrupt the consensus splice site. In summary, the currently available evidence indicates that the variant is pathogenic, but additional data are needed to prove that conclusively. Therefore, this variant has been classified as Likely Pathogenic.

Ambry Genetics
Classification: Uncertain significance for Cardiovascular phenotype. Last evaluated: 2024-05-10. Review status: criteria provided, single submitter. Criteria: Ambry Variant Classification Scheme 2023. Collection method: clinical testing. Allele origin: germline.
Comment: The c.688-1G>C intronic variant results from a G to C substitution one nucleotide upstream from coding exon 7 of the NEXN gene. Alterations that disrupt the canonical splice site are expected to result in aberrant splicing. In silico splice site analysis predicts that this alteration will weaken the native splice acceptor site and will result in the creation or strengthening of a novel splice acceptor site. The resulting transcript is predicted to be in-frame and is not expected to trigger nonsense-mediated mRNA decay; however, direct evidence is unavailable. The exact functional effect of the altered amino acid sequence is unknown. This nucleotide position is highly conserved in available vertebrate species. Based on the available evidence, the clinical significance of this variant remains unclear.

Fulgent Genetics
Classification: Uncertain significance for Dilated cardiomyopathy 1CC; Hypertrophic cardiomyopathy 20. Last evaluated: 2021-08-16. Review status: criteria provided, single submitter. Criteria: ACMG Guidelines, 2015. Collection method: clinical testing. Allele origin: unknown.

Literature cited by the submitters: PubMed 16199547 (cited by Labcorp Genetics (formerly Invitae), Labcorp); PubMed 19881492 (cited by Labcorp Genetics (formerly Invitae), Labcorp); PubMed 32058062 (cited by Labcorp Genetics (formerly Invitae), Labcorp); PubMed 32814711 (cited by Labcorp Genetics (formerly Invitae), Labcorp); PubMed 32870709 (cited by Labcorp Genetics (formerly Invitae), Labcorp); PubMed 33949776 (cited by Labcorp Genetics (formerly Invitae), Labcorp); PubMed 38059363 (cited by Labcorp Genetics (formerly Invitae), Labcorp); PubMed 40680702 (cited by Labcorp Genetics (formerly Invitae), Labcorp).

NM_144573.4(NEXN):c.688-1G>C

Gene: NEXN (nexilin F-actin binding protein; plus strand). Cytogenetic location: 1p31.1.
Variant type: single nucleotide variant.
Coding change: c.688-1G>C on transcript NM_144573.4 (MANE Select); the canonical splice acceptor site of the intron before coding-DNA position 688, G replaced by C.
Molecular consequence: splice acceptor variant.
Genome position (GRCh38, 1-based): chr1:77,926,715, G>C. VCF-style: chr1-77926715-G-C. GRCh37 (hg19) VCF-style: chr1-78392400-G-C.
Other names: c.496-1G>C (NM_001172309.2); c.688-1G>C (NM_144573.3).
Identifiers: ClinVar variation 1403122 (VCV001403122.10), dbSNP rs761030548, ClinGen allele CA918718.